The following is an entry in ClinVar:

NM_138409.4(MRAP2):c.96del (p.Val33fs)

Gene: MRAP2 (melanocortin 2 receptor accessory protein 2; plus strand). Cytogenetic location: 6q14.2.
Variant type: Deletion.
Coding change: c.96del on transcript NM_138409.4 (MANE Select); coding-DNA position 96, one base deleted (A; older notation c.96delA).
Protein change: p.Val33fs; shifts the reading frame from valine 33.
Molecular consequence: frameshift variant. On other transcripts: 5 prime UTR variant (2).
Genome position (GRCh38, 1-based): chr6:84,055,414, A deleted. VCF-style (leftmost placement, unchanged base first): chr6-84055413-CA-C. GRCh37 (hg19) VCF-style: chr6-84765132-CA-C.
Other names: c.-63del (NM_001346541.2); c.96del, p.Val33fs (NM_001346542.2, NM_001346544.2); c.-164del (NM_001346543.2); short protein forms V33fs.
Identifiers: ClinVar variation 4991606 (VCV004991606.1).

ClinVar aggregate classification (germline): Uncertain significance (1 of 4 stars; one submission).

Conditions:
MRAP2-related disorder. Also called: MRAP2-related condition.

Submission:

PreventionGenetics, part of Exact Sciences
Classification: Uncertain significance for MRAP2-related condition. Last evaluated: 2025-09-26. Review status: criteria provided, single submitter. Criteria: ACMG Guidelines, 2015. Collection method: clinical testing. Allele origin: germline.
Comment: The MRAP2 c.96delA variant is predicted to result in a frameshift and premature protein termination (p.Val33Phefs*6). To our knowledge, this variant has not been reported in the literature or in a large population database (gnomAD), indicating this variant is rare. Early termination changes are not an established mechanism of disease for this gene. Although we suspect that this variant may be pathogenic, at this time, the clinical significance of this variant is uncertain due to the absence of conclusive functional and genetic evidence.